The following is an entry in ClinVar:

NM_004380.3(CREBBP):c.4277C>T (p.Thr1426Met)

Gene: CREBBP (CREB binding lysine acetyltransferase; minus strand). Cytogenetic location: 16p13.3.
Variant type: single nucleotide variant.
Coding change: c.4277C>T on transcript NM_004380.3 (MANE Select); coding-DNA position 4277, C replaced by T.
Protein change: p.Thr1426Met; replaces threonine 1426 with methionine.
Molecular consequence: missense variant.
Genome position (GRCh38, 1-based): chr16:3,739,581, G>A on the plus strand (C>T on the coding strand, the complement: CREBBP is on the minus strand). VCF-style: chr16-3739581-G-A. GRCh37 (hg19) VCF-style: chr16-3789582-G-A.
Other names: c.4163C>T, p.Thr1388Met (NM_001079846.1); short protein forms T1388M, T1426M.
Identifiers: ClinVar variation 2635651 (VCV002635651.6), dbSNP rs145988918, ClinGen allele CA7869575.

ClinVar aggregate classification (germline): Conflicting classifications of pathogenicity. Review status: criteria provided, conflicting classifications (1 of 4 stars). 3 submissions from 3 submitters: Uncertain significance (1); Likely benign (2). Last evaluated 2025-11-18.

Conditions:
Rubinstein-Taybi syndrome (RSTS). Identifiers: Orphanet 783, MedGen C0035934, MONDO:0019188.
CREBBP-related disorder. Also called: CREBBP-related condition; CREBBP-related disorders.

Allele frequency attached by ClinVar (database versions not stated): TOPMed 0.00003; ESP Exome Variant Server 0.00008; ExAC 0.00001; gnomAD 0.00001; gnomAD exomes 0.00003.
gnomAD v4.1: 49 of 1,614,038 alleles (0.003%); highest among the groups gnomAD compares: African/African-American, 0.004%; no homozygotes.

Submissions (3):

PreventionGenetics, part of Exact Sciences
Classification: Uncertain significance for CREBBP-related condition. Last evaluated: 2025-11-18. Review status: criteria provided, single submitter. Criteria: ACMG Guidelines, 2015. Collection method: clinical testing. Allele origin: germline.
Comment: The CREBBP c.4277C>T variant is predicted to result in the amino acid substitution p.Thr1426Met. To our knowledge, this variant has not been reported in the literature. This variant is reported in 0.0040% of alleles in individuals of African descent in gnomAD. At this time, the clinical significance of this variant is uncertain due to the absence of conclusive functional and genetic evidence.

Labcorp Genetics (formerly Invitae), Labcorp
Classification: Likely benign for Rubinstein-Taybi syndrome. Last evaluated: 2025-01-05. Review status: criteria provided, single submitter. Criteria: Invitae Variant Classification Sherloc (09022015). Collection method: clinical testing. Allele origin: germline.

Blueprint Genetics
Classification: Likely benign. Last evaluated: 2021-02-03. Review status: criteria provided, single submitter. Criteria: ACMG Guidelines, 2015. Collection method: clinical testing. Allele origin: germline.